The following is an entry in ClinVar:

ClinVar aggregate classification (germline): Uncertain significance (1 of 4 stars; one submission).

Submission:

Labcorp Genetics (formerly Invitae), Labcorp
Classification: Uncertain significance. Last evaluated: 2022-03-18. Review status: criteria provided, single submitter. Criteria: Invitae Variant Classification Sherloc (09022015). Collection method: clinical testing. Allele origin: germline.
Comment: A copy number gain of the genomic region encompassing the full coding sequence of the FAT1 gene has been identified. The boundaries of this event are unknown as they extend beyond the assayed region for this gene and therefore may encompass additional genes. As the precise location of this event is unknown, it may be in tandem or it may be located elsewhere in the genome. This variant has not been reported in the literature in individuals affected with FAT1-related conditions. In summary, the available evidence is currently insufficient to determine the role of this variant in disease. Therefore, it has been classified as a Variant of Uncertain Significance.

NC_000004.11:g.(?_186423448)_(187630981_?)dup

Genes: CYP4V2 (cytochrome P450 family 4 subfamily V member 2; plus strand), F11 (coagulation factor XI; plus strand), FAM149A (family with sequence similarity 149 member A; plus strand), FAT1 (FAT atypical cadherin 1; minus strand), KLKB1 (kallikrein B1; plus strand) and 4 more. Cytogenetic location: 4q35.1-35.2.
Variant type: Duplication.
Identifiers: ClinVar variation 1433110 (VCV001433110.4).